The following is an entry in ClinVar:

ClinVar aggregate classification (germline): Uncertain significance (1 of 4 stars; one submission).

Conditions:
Macrothrombocytopenia and granulocyte inclusions with or without nephritis or sensorineural hearing loss (MATINS). Also called: MAY-HEGGLIN ANOMALY; DOHLE LEUKOCYTE INCLUSIONS WITH GIANT PLATELETS; MACROTHROMBOCYTOPENIA WITH LEUKOCYTE INCLUSIONS; BLEEDING DISORDER, PLATELET-TYPE, 6; SEBASTIAN PLATELET SYNDROME; MACROTHROMBOCYTOPENIA WITH DISPERSED LEUKOCYTIC INCLUSIONS. Identifiers: Orphanet 182050, MedGen C5200934, MONDO:0015912, OMIM 155100.

Submission:

MVZ Medizinische Genetik Mainz
Classification: Uncertain significance for Macrothrombocytopenia and granulocyte inclusions with or without nephritis or sensorineural hearing loss. Last evaluated: 2022-11-10. Review status: criteria provided, single submitter. Criteria: UK Practice Guidelines For Variant Classification V4 01 2020. Collection method: clinical testing. Allele origin: germline. Inheritance: Autosomal dominant inheritance. Affected: yes. Observed: 1 variant allele.
Comment: ACMG Criteria: PM2_SUP, PP2, PP3 (ACMG Version 4)

NM_002473.6(MYH9):c.1543A>C (p.Ile515Leu)

Gene: MYH9 (myosin heavy chain 9; minus strand). Cytogenetic location: 22q12.3.
Variant type: single nucleotide variant.
Coding change: c.1543A>C on transcript NM_002473.6 (MANE Select); coding-DNA position 1543, A replaced by C.
Protein change: p.Ile515Leu; replaces isoleucine 515 with leucine.
Molecular consequence: missense variant.
Genome position (GRCh38, 1-based): chr22:36,314,156, T>G on the plus strand (A>C on the coding strand, the complement: MYH9 is on the minus strand). VCF-style: chr22-36314156-T-G. GRCh37 (hg19) VCF-style: chr22-36710201-T-G.
Other names: short protein forms I515L.
Identifiers: ClinVar variation 3235997 (VCV003235997.1), dbSNP rs2517986840, ClinGen allele CA411400738.